The following is an entry in ClinVar:

ClinVar aggregate classification (germline): Pathogenic/Likely pathogenic. Review status: criteria provided, multiple submitters, no conflicts (2 of 4 stars). 2 submissions from 2 submitters: Pathogenic (1); Likely pathogenic (1). Last evaluated 2025-02-22.

Conditions:
PLS3-related disorder. Also called: PLS3-related condition.

Submissions (2):

Labcorp Genetics (formerly Invitae), Labcorp
Classification: Pathogenic. Last evaluated: 2025-02-22. Review status: criteria provided, single submitter. Criteria: Invitae Variant Classification Sherloc (09022015). Collection method: clinical testing. Allele origin: germline.
Comment: This sequence change creates a premature translational stop signal (p.Arg350Serfs*17) in the PLS3 gene. It is expected to result in an absent or disrupted protein product. Loss-of-function variants in PLS3 are known to be pathogenic (PMID: 24088043, 30405713, 33166085). This variant is not present in population databases (gnomAD no frequency). This variant has not been reported in the literature in individuals affected with PLS3-related conditions. ClinVar contains an entry for this variant (Variation ID: 2111137). For these reasons, this variant has been classified as Pathogenic.

Blueprint Genetics
Classification: Likely pathogenic for PLS3-related disorders. Last evaluated: 2023-03-30. Review status: criteria provided, single submitter. Criteria: ACMG Guidelines, 2015. Collection method: clinical testing. Allele origin: germline. Affected: yes. Observed: 2 variant alleles.

Literature cited by the submitters: PubMed 24088043 (cited by Labcorp Genetics (formerly Invitae), Labcorp); PubMed 30405713 (cited by Labcorp Genetics (formerly Invitae), Labcorp); PubMed 33166085 (cited by Labcorp Genetics (formerly Invitae), Labcorp).

NM_005032.7(PLS3):c.1050_1053del (p.Arg350fs)

Gene: PLS3 (plastin 3; plus strand). Cytogenetic location: Xq23.
Variant type: Deletion.
Coding change: c.1050_1053del on transcript NM_005032.7 (MANE Select); coding-DNA positions 1050 to 1053, 4 bases deleted (ACAG; older notation c.1050_1053delACAG).
Protein change: p.Arg350fs; shifts the reading frame from arginine 350.
Molecular consequence: frameshift variant.
Genome position (GRCh38, 1-based): chrX:115,643,375-115,643,378, ACAG deleted; deleting any 4 consecutive bases within chrX:115,643,372-115,643,378 gives the same sequence; the c. name uses the placement nearest the transcript's 3' end. VCF-style (leftmost placement, unchanged base first): chrX-115643371-GCAGA-G. GRCh37 (hg19) VCF-style: chrX-114877683-GCAGA-G.
Other names: c.1050_1053del, p.Arg350fs (NM_001136025.5); c.969_972del, p.Arg323fs (NM_001172335.3); c.1011_1014del, p.Arg337fs (NM_001282337.2); c.915_918del, p.Arg305fs (NM_001282338.2); short protein forms R305fs, R337fs, R323fs, R350fs.
Identifiers: ClinVar variation 2111137 (VCV002111137.5), dbSNP rs2521521060, ClinGen allele CA645620491.